The following is an entry in ClinVar:

NM_000492.4(CFTR):c.3749_3751dup (p.Lys1250dup)

Genes: CFTR (CF transmembrane conductance regulator; plus strand), CFTR-AS2 (CFTR antisense RNA 2; minus strand). Cytogenetic location: 7q31.2.
Variant type: Duplication.
Coding change: c.3749_3751dup on transcript NM_000492.4 (MANE Select); coding-DNA positions 3749 to 3751, 3 bases duplicated (AGA; older notation c.3749_3751dupAGA).
Protein change: p.Lys1250dup; duplicates lysine 1250.
Molecular consequence: inframe insertion.
Genome position (GRCh38, 1-based): chr7:117,642,469-117,642,471, AGA duplicated; duplicating any 3 consecutive bases within chr7:117,642,467-117,642,471 gives the same sequence; the c. name uses the placement nearest the transcript's 3' end. VCF-style (leftmost placement, unchanged base first): chr7-117642466-G-GGAA. GRCh37 (hg19) VCF-style: chr7-117282520-G-GGAA.
Other names: c.3749_3751dupAGA (NM_000492.3).
Identifiers: ClinVar variation 640317 (VCV000640317.8), dbSNP rs1584836961, ClinGen allele CA915945448.
Genomic context (GRCh38, chr7:117,642,466, plus strand): 5'-ACAGAAGTGATCCCATCACTTTTACCTTATAGGTGGGCCTCTTGGGAAGAACTGGATCAG[G>GGAA]GAAGAGTACTTTGTTATCAGCTTTTTTGAGACTACTGAACACTGAAGGAGAAATCCAGAT-3'

ClinVar aggregate classification (germline): Uncertain significance (1 of 4 stars; one submission).

Conditions:
Cystic fibrosis (CF). Also called: MUCOVISCIDOSIS. Identifiers: Orphanet 586, MedGen C0010674, MONDO:0009061, OMIM 219700. Disease mechanism: loss of function.

Submission:

Labcorp Genetics (formerly Invitae), Labcorp
Classification: Uncertain significance for Cystic fibrosis. Last evaluated: 2025-04-09. Review status: criteria provided, single submitter. Criteria: Invitae Variant Classification Sherloc (09022015). Collection method: clinical testing. Allele origin: germline.
Comment: This variant, c.3749_3751dup, results in the insertion of 1 amino acid(s) of the CFTR protein (p.Lys1250dup), but otherwise preserves the integrity of the reading frame. This variant is not present in population databases (gnomAD no frequency). This variant has not been reported in the literature in individuals affected with CFTR-related conditions. ClinVar contains an entry for this variant (Variation ID: 640317). Experimental studies and prediction algorithms are not available or were not evaluated, and the functional significance of this variant is currently unknown. In summary, the available evidence is currently insufficient to determine the role of this variant in disease. Therefore, it has been classified as a Variant of Uncertain Significance.